The following is an entry in ClinVar:

ClinVar aggregate classification (germline): Uncertain significance. Review status: criteria provided, multiple submitters, no conflicts (2 of 4 stars). 2 submissions from 2 submitters: Uncertain significance (2). Last evaluated 2023-02-24.

Conditions:
Hereditary cancer-predisposing syndrome. Also called: Neoplastic Syndromes, Hereditary; Tumor predisposition; Hereditary Cancer Syndrome; Hereditary neoplastic syndrome. Identifiers: Orphanet 140162, MedGen C0027672, MeSH D009386, MONDO:0015356.
Gastrointestinal stromal tumor. Also called: Gastrointestinal stroma tumor; Gastrointestinal stromal tumor, somatic. Identifiers: Orphanet 44890, MedGen C0238198, MeSH D046152, MONDO:0011719, OMIM 606764, HP:0100723.

Allele frequency attached by ClinVar (database versions not stated): TOPMed below 0.00001; gnomAD 0.00001.
gnomAD v4.1: 1 of 1,613,948 alleles (0.000062%); highest among the groups gnomAD compares: Non-Finnish European, 0.000085%; no homozygotes.

Submissions (2):

Ambry Genetics
Classification: Uncertain significance for Hereditary cancer-predisposing syndrome. Last evaluated: 2023-02-24. Review status: criteria provided, single submitter. Criteria: Ambry Variant Classification Scheme 2023. Collection method: clinical testing. Allele origin: germline.
Comment: The p.R420M variant (also known as c.1259G>T), located in coding exon 8 of the KIT gene, results from a G to T substitution at nucleotide position 1259. The arginine at codon 420 is replaced by methionine, an amino acid with similar properties. This amino acid position is conserved. In addition, this alteration is predicted to be tolerated by in silico analysis. Since supporting evidence is limited at this time, the clinical significance of this alteration remains unclear.

Labcorp Genetics (formerly Invitae), Labcorp
Classification: Uncertain significance for Gastrointestinal stromal tumor. Last evaluated: 2022-02-19. Review status: criteria provided, single submitter. Criteria: Invitae Variant Classification Sherloc (09022015). Collection method: clinical testing. Allele origin: germline.
Comment: In summary, the available evidence is currently insufficient to determine the role of this variant in disease. Therefore, it has been classified as a Variant of Uncertain Significance. Algorithms developed to predict the effect of missense changes on protein structure and function (SIFT, PolyPhen-2, Align-GVGD) all suggest that this variant is likely to be tolerated. This variant has not been reported in the literature in individuals affected with KIT-related conditions. This variant is not present in population databases (gnomAD no frequency). This sequence change replaces arginine, which is basic and polar, with methionine, which is neutral and non-polar, at codon 420 of the KIT protein (p.Arg420Met).

NM_000222.3(KIT):c.1259G>T (p.Arg420Met)

Gene: KIT (KIT proto-oncogene, receptor tyrosine kinase; plus strand). Cytogenetic location: 4q12.
Variant type: single nucleotide variant.
Coding change: c.1259G>T on transcript NM_000222.3 (MANE Select); coding-DNA position 1259, G replaced by T.
Protein change: p.Arg420Met; replaces arginine 420 with methionine.
Molecular consequence: missense variant.
Genome position (GRCh38, 1-based): chr4:54,723,611, G>T. VCF-style: chr4-54723611-G-T. GRCh37 (hg19) VCF-style: chr4-55589777-G-T.
Other names: c.1259G>T, p.Arg420Met (NM_001093772.2, NM_001385285.1, NM_001385286.1); c.1262G>T, p.Arg421Met (NM_001385284.1, NM_001385288.1, NM_001385290.1 and 1 more transcripts); short protein forms R420M, R421M.
Identifiers: ClinVar variation 2420053 (VCV002420053.14), dbSNP rs1160506536, ClinGen allele CA356905425.